The following is an entry in ClinVar:

NM_000441.2(SLC26A4):c.2131G>T (p.Asp711Tyr)

Genes: SLC26A4 (solute carrier family 26 member 4; plus strand), LOC123956210 (Sharpr-MPRA regulatory region 3291; plus strand). Cytogenetic location: 7q22.3.
Variant type: single nucleotide variant.
Coding change: c.2131G>T on transcript NM_000441.2 (MANE Select); coding-DNA position 2131, G replaced by T.
Protein change: p.Asp711Tyr; replaces aspartic acid 711 with tyrosine.
Molecular consequence: missense variant.
Genome position (GRCh38, 1-based): chr7:107,710,095, G>T. VCF-style: chr7-107710095-G-T. GRCh37 (hg19) VCF-style: chr7-107350540-G-T.
Other names: short protein forms D711Y.
Identifiers: ClinVar variation 3392581 (VCV003392581.2).

ClinVar aggregate classification (germline): Uncertain significance (1 of 4 stars; one submission).

gnomAD v4.1: 59 of 1,611,582 alleles (0.0037%); highest among the groups gnomAD compares: African/African-American, 0.071%; no homozygotes.

Submission:

GeneDx
Classification: Uncertain significance. Last evaluated: 2026-02-18. Review status: criteria provided, single submitter. Criteria: GeneDx Variant Classification Process June 2021. Collection method: clinical testing. Allele origin: germline.
Comment: In silico analysis supports that this missense variant has a deleterious effect on protein structure/function; Has not been previously published as pathogenic or benign to our knowledge